The following is an entry in ClinVar:

NM_000900.5(MGP):c.115A>C (p.Asn39His)

Gene: MGP (matrix Gla protein; minus strand). Cytogenetic location: 12p12.3.
Variant type: single nucleotide variant.
Coding change: c.115A>C on transcript NM_000900.5 (MANE Select); coding-DNA position 115, A replaced by C.
Protein change: p.Asn39His; replaces asparagine 39 with histidine.
Molecular consequence: missense variant.
Genome position (GRCh38, 1-based): chr12:14,883,027, T>G on the plus strand (A>C on the coding strand, the complement: MGP is on the minus strand). VCF-style: chr12-14883027-T-G. GRCh37 (hg19) VCF-style: chr12-15035961-T-G.
Other names: c.190A>C, p.Asn64His (NM_001190839.3); c.115A>C (NM_000900.4); short protein forms N39H, N64H.
Identifiers: ClinVar variation 281674 (VCV000281674.24), dbSNP rs145210821, ClinGen allele CA6465176.

ClinVar aggregate classification (germline): Benign/Likely benign. Review status: criteria provided, multiple submitters, no conflicts (2 of 4 stars). 6 submissions from 6 submitters: Benign (2); Likely benign (3). 1 of the submissions does not count toward it. Last evaluated 2026-01-29.

Conditions:
MGP-related disorder. Also called: MGP-related condition.
Keutel syndrome (KTLS). Identifiers: Orphanet 85202, MedGen C1855607, MONDO:0009495, OMIM 245150.

Allele frequency attached by ClinVar (database versions not stated): 1000 Genomes Project 0.00180; 1000 Genomes Project 30x 0.00250; gnomAD 0.00259 and 0.00260; ExAC 0.00260; ESP Exome Variant Server 0.00284; gnomAD exomes 0.00284 and 0.00319; TOPMed 0.00297.
gnomAD v4.1: 5,082 of 1,611,798 alleles (0.32%); highest among the groups gnomAD compares: Admixed American, 0.43%; 18 homozygotes.

Submissions (6):

Labcorp Genetics (formerly Invitae), Labcorp
Classification: Benign. Last evaluated: 2026-01-29. Review status: criteria provided, single submitter. Criteria: Invitae Variant Classification Sherloc (09022015). Collection method: clinical testing. Allele origin: germline.

Blueprint Genetics
Classification: Likely benign. Last evaluated: 2024-11-05. Review status: criteria provided, single submitter. Criteria: ACMG Guidelines, 2015. Collection method: clinical testing. Allele origin: germline.

GeneDx
Classification: Benign. Last evaluated: 2020-01-20. Review status: criteria provided, single submitter. Criteria: GeneDx Variant Classification Process June 2021. Collection method: clinical testing. Allele origin: germline. Affected: yes.

Illumina Laboratory Services, Illumina
Classification: Likely benign for Keutel syndrome. Last evaluated: 2017-04-27. Review status: criteria provided, single submitter. Criteria: ICSL Variant Classification Criteria 13 December 2019. Collection method: clinical testing. Allele origin: germline.
Comment: This variant was observed as part of a predisposition screen in an ostensibly healthy population. A literature search was performed for the gene, cDNA change, and amino acid change (where applicable). No publications were found based on this search. Allele frequency data from public databases allowed determination this variant is unlikely to cause disease. Therefore, this variant is classified as likely benign.

Eurofins Ntd Llc (ga)
Classification: Likely benign. Last evaluated: 2015-06-23. Review status: criteria provided, single submitter. Criteria: EGL Classification Definitions 2015. Collection method: clinical testing. Allele origin: germline. Observed: 1 variant allele, 1 heterozygote.

PreventionGenetics, part of Exact Sciences
Classification: Benign for MGP-related condition. Last evaluated: 2019-09-24. Review status: no assertion criteria provided. Collection method: clinical testing. Allele origin: germline. Not counted in ClinVar's aggregate classification.
Comment: This variant is classified as benign based on ACMG/AMP sequence variant interpretation guidelines (Richards et al. 2015 PMID: 25741868, with internal and published modifications).